The following is an entry in ClinVar:

NM_001042492.3(NF1):c.3647del (p.Gly1216fs)

Gene: NF1 (neurofibromin 1; plus strand). Cytogenetic location: 17q11.2.
Variant type: Deletion.
Coding change: c.3647del on transcript NM_001042492.3 (MANE Select); coding-DNA position 3647, one base deleted (G; older notation c.3647delG).
Protein change: p.Gly1216fs; shifts the reading frame from glycine 1216.
Molecular consequence: frameshift variant.
Genome position (GRCh38, 1-based): chr17:31,233,152, G deleted; the last of 3 consecutive G bases (chr17:31,233,150-31,233,152); deleting any one gives the same sequence. VCF-style (leftmost placement, unchanged base first): chr17-31233149-TG-T. GRCh37 (hg19) VCF-style: chr17-29560167-TG-T.
Other names: c.3647del, p.Gly1216fs (NM_000267.4); short protein forms G1216fs.
Identifiers: ClinVar variation 4710350 (VCV004710350.1).

ClinVar aggregate classification (germline): Pathogenic (1 of 4 stars; one submission).

Conditions:
Neurofibromatosis, type 1 (NF1). Also called: VON RECKLINGHAUSEN DISEASE; Peripheral type neurofibromatosis; NEUROFIBROMATOSIS, TYPE I, SOMATIC; Neurofibromatosis, type I. Identifiers: Orphanet 636, MedGen C0027831, MONDO:0018975, OMIM 162200. Disease mechanism: loss of function.

Submission:

Labcorp Genetics (formerly Invitae), Labcorp
Classification: Pathogenic for Neurofibromatosis, type 1. Last evaluated: 2025-08-01. Review status: criteria provided, single submitter. Criteria: Invitae Variant Classification Sherloc (09022015). Collection method: clinical testing. Allele origin: germline.
Comment: This sequence change creates a premature translational stop signal (p.Gly1216Valfs*8) in the NF1 gene. It is expected to result in an absent or disrupted protein product. Loss-of-function variants in NF1 are known to be pathogenic (PMID: 10712197, 23913538). This variant is not present in population databases (gnomAD no frequency). This variant has not been reported in the literature in individuals affected with NF1-related conditions. For these reasons, this variant has been classified as Pathogenic.

Literature cited by the submitters: PubMed 10712197; PubMed 23913538.